The following is an entry in ClinVar:

NM_001267052.2(UNC45B):c.2070G>A (p.Val690=)

Gene: UNC45B (unc-45 myosin chaperone B; plus strand). Cytogenetic location: 17q12.
Variant type: single nucleotide variant.
Coding change: c.2070G>A on transcript NM_001267052.2 (MANE Select); coding-DNA position 2070, G replaced by A.
Protein change: p.Val690=; no amino-acid change (valine 690 retained).
Molecular consequence: synonymous variant.
Genome position (GRCh38, 1-based): chr17:35,177,061, G>A. VCF-style: chr17-35177061-G-A. GRCh37 (hg19) VCF-style: chr17-33504080-G-A.
Other names: c.2070G>A, p.Val690= (NM_001033576.2); c.1833G>A, p.Val611= (NM_001308281.1); c.2076G>A, p.Val692= (NM_173167.3).
Identifiers: ClinVar variation 4986214 (VCV004986214.1).

ClinVar aggregate classification (germline): Uncertain significance (1 of 4 stars; one submission).

Conditions:
UNC45B-related disorder. Also called: UNC45B-related condition.

gnomAD v4.1: 3 of 1,614,224 alleles (0.00019%); highest among the groups gnomAD compares: Non-Finnish European, 0.00025%; no homozygotes.

Submission:

PreventionGenetics, part of Exact Sciences
Classification: Uncertain significance for UNC45B-related condition. Last evaluated: 2026-03-11. Review status: criteria provided, single submitter. Criteria: ACMG Guidelines, 2015. Collection method: clinical testing. Allele origin: germline.
Comment: The UNC45B c.2076G>A variant is not predicted to result in an amino acid change (p.=). This variant is predicted to alter splicing based on available splicing prediction software (SpliceAI, Jaganathan et al. 2019. PubMed ID: 30661751). However, the use of computer prediction software is not equivalent to functional evidence. To our knowledge, this variant has not been reported in the literature or in a large population database (gnomAD), indicating this variant is rare. At this time, the clinical significance of this variant is uncertain due to the absence of conclusive functional and genetic evidence.